The following is an entry in ClinVar:

ClinVar aggregate classification (germline): Conflicting classifications of pathogenicity. Review status: criteria provided, conflicting classifications (1 of 4 stars). 3 submissions from 3 submitters: Uncertain significance (1); Likely benign (1). 1 of the submissions does not count toward it. Last evaluated 2017-09-14.

Conditions:
AHI1-related disorder. Also called: AHI1-related condition.

Allele frequency attached by ClinVar (database versions not stated): TOPMed 0.00313; 1000 Genomes Project 30x 0.00406; 1000 Genomes Project 0.00419; gnomAD 0.00258.

Submissions (3):

GeneDx
Classification: Likely benign. Last evaluated: 2017-09-14. Review status: criteria provided, single submitter. Criteria: GeneDx Variant Classification (06012015). Collection method: clinical testing. Allele origin: germline. Affected: yes.
Comment: This variant is considered likely benign or benign based on one or more of the following criteria: it is a conservative change, it occurs at a poorly conserved position in the protein, it is predicted to be benign by multiple in silico algorithms, and/or has population frequency not consistent with disease.

Center for Pediatric Genomic Medicine, Children's Mercy Hospital and Clinics
Classification: Uncertain significance. Last evaluated: 2015-08-26. Review status: criteria provided, single submitter. Criteria: ACMG Guidelines, 2015. Collection method: clinical testing. Allele origin: germline.
ClinVar note: Converted during submission from Uncertain Significance to Uncertain significance.

PreventionGenetics, part of Exact Sciences
Classification: Likely benign for AHI1-related condition. Last evaluated: 2022-05-17. Review status: no assertion criteria provided. Collection method: clinical testing. Allele origin: germline. Not counted in ClinVar's aggregate classification.
Comment: This variant is classified as likely benign based on ACMG/AMP sequence variant interpretation guidelines (Richards et al. 2015 PMID: 25741868, with internal and published modifications).

NM_001134831.2(AHI1):c.-140+1G>T

Gene: AHI1 (Abelson helper integration site 1; minus strand). Cytogenetic location: 6q23.3.
Variant type: single nucleotide variant.
Coding change: c.-140+1G>T on transcript NM_001134831.2 (MANE Select); the canonical splice donor site of the intron after 140 bases upstream of the start codon, G replaced by T.
Molecular consequence: splice donor variant. On other transcripts: intron variant (2).
Genome position (GRCh38, 1-based): chr6:135,497,187, C>A on the plus strand (G>T on the coding strand, the complement: AHI1 is on the minus strand). VCF-style: chr6-135497187-C-A. GRCh37 (hg19) VCF-style: chr6-135818325-C-A.
Other names: c.-55+396G>T (NM_001134830.2); c.-311+396G>T (NM_001350503.2); c.-55+1G>T (NM_017651.5, NM_001134832.2); c.-140+1G>T (NM_001350504.2).
Identifiers: ClinVar variation 235687 (VCV000235687.5), dbSNP rs145372075, ClinGen allele CA10581400.